The following is an entry in ClinVar:

ClinVar aggregate classification (germline): Likely pathogenic (1 of 4 stars; one submission).

Submission:

Dasa
Classification: Likely pathogenic. Last evaluated: 2024-11-14. Review status: criteria provided, single submitter. Criteria: DASA Assertion Criteria. Collection method: clinical testing. Allele origin: germline.
Comment: NM_001166114.2(PNPLA6):c.954dup (p.Phe319Leufs*13) is a frameshift variant in PNPLA6 predicted to alter the reading frame and introduce a premature termination codon and is predicted to result in an absent or altered protein product. Loss of function is an established disease mechanism for PNPLA6-associated disorders. Also, this variant is rare in population databases. Based on the currently available evidence, this variant is classified as likely pathogenic.

NM_001166114.2(PNPLA6):c.954dup (p.Phe319fs)

Gene: PNPLA6 (patatin like domain 6, lysophospholipase; plus strand). Cytogenetic location: 19p13.2.
Variant type: Duplication.
Coding change: c.954dup on transcript NM_001166114.2 (MANE Select); coding-DNA position 954, one base duplicated (C; older notation c.954dupC).
Protein change: p.Phe319fs; shifts the reading frame from phenylalanine 319.
Molecular consequence: frameshift variant.
Genome position (GRCh38, 1-based): chr19:7,541,383, C duplicated; the last of 2 consecutive C bases (chr19:7,541,382-7,541,383); duplicating either gives the same sequence. VCF-style (leftmost placement, unchanged base first): chr19-7541381-A-AC. GRCh37 (hg19) VCF-style: chr19-7606267-A-AC.
Other names: c.981dup, p.Phe328fs (NM_001166111.2); c.837dup, p.Phe280fs (NM_001166112.2, NM_001166113.1, NM_006702.5); short protein forms F280fs, F319fs, F328fs.
Identifiers: ClinVar variation 4886516 (VCV004886516.2).